The following is an entry in ClinVar:

ClinVar aggregate classification (germline): Benign/Likely benign. Review status: criteria provided, multiple submitters, no conflicts (2 of 4 stars). 6 submissions from 6 submitters: Benign (1); Likely benign (5). Last evaluated 2026-01-26.

Conditions:
Collagen 6-related myopathy. Identifiers: MedGen CN117976, MONDO:0100225.
Bethlem myopathy 1A. Also called: Bethlem myopathy 1; Bethlem Muscular Dystrophy; MYOPATHY, BENIGN CONGENITAL, WITH CONTRACTURES. Identifiers: Orphanet 610, MedGen CN029274, MONDO:0024530, OMIM 158810.

Allele frequency attached by ClinVar (database versions not stated): gnomAD exomes 0.00013 and 0.00035; ExAC 0.00047; gnomAD 0.00130 and 0.00135; ESP Exome Variant Server 0.00146; 1000 Genomes Project 0.00160; TOPMed 0.00160; 1000 Genomes Project 30x 0.00172.
gnomAD v4.1: 415 of 1,612,262 alleles (0.026%); highest among the groups gnomAD compares: African/African-American, 0.45%; 5 homozygotes.

Submissions (6):

Labcorp Genetics (formerly Invitae), Labcorp
Classification: Likely benign for Bethlem myopathy 1A. Last evaluated: 2026-01-26. Review status: criteria provided, single submitter. Criteria: Invitae Variant Classification Sherloc (09022015). Collection method: clinical testing. Allele origin: germline.

Blueprint Genetics
Classification: Likely benign. Last evaluated: 2024-11-25. Review status: criteria provided, single submitter. Criteria: ACMG Guidelines, 2015. Collection method: clinical testing. Allele origin: germline.

CeGaT Center for Human Genetics Tuebingen
Classification: Likely benign. Last evaluated: 2024-06-01. Review status: criteria provided, single submitter. Criteria: CeGaT Center For Human Genetics Tuebingen Variant Classification Criteria Version 2. Collection method: clinical testing. Allele origin: germline. Affected: yes. Observed: 2 variant alleles.
Comment: COL6A1: BP4, BP7, BS2

GeneDx
Classification: Likely benign. Last evaluated: 2020-12-07. Review status: criteria provided, single submitter. Criteria: GeneDx Variant Classification Process June 2021. Collection method: clinical testing. Allele origin: germline. Affected: yes.

Illumina Laboratory Services, Illumina
Classification: Benign for Collagen VI-related myopathy. Last evaluated: 2018-01-12. Review status: criteria provided, single submitter. Criteria: ICSL Variant Classification Criteria 13 December 2019. Collection method: clinical testing. Allele origin: germline.
Comment: This variant was observed in the ICSL laboratory as part of a predisposition screen in an ostensibly healthy population. It had not been previously curated by ICSL or reported in the Human Gene Mutation Database (HGMD: prior to June 1st, 2018), and was therefore a candidate for classification through an automated scoring system. Utilizing variant allele frequency, disease prevalence and penetrance estimates, and inheritance mode, an automated score was calculated to assess if this variant is too frequent to cause the disease. Based on the score and internal cut-off values, a variant classified as benign is not then subjected to further curation. The score for this variant resulted in a classification of benign for this disease.

Eurofins Ntd Llc (ga)
Classification: Likely benign. Last evaluated: 2016-01-03. Review status: criteria provided, single submitter. Criteria: EGL Classification Definitions 2015. Collection method: clinical testing. Allele origin: germline. Observed: 2 variant alleles, 2 heterozygotes.

NM_001848.3(COL6A1):c.1776C>T (p.Asp592=)

Gene: COL6A1 (collagen type VI alpha 1 chain; plus strand). Cytogenetic location: 21q22.3.
Variant type: single nucleotide variant.
Coding change: c.1776C>T on transcript NM_001848.3 (MANE Select); coding-DNA position 1776, C replaced by T.
Protein change: p.Asp592=; no amino-acid change (aspartic acid 592 retained).
Molecular consequence: synonymous variant.
Genome position (GRCh38, 1-based): chr21:45,999,692, C>T. VCF-style: chr21-45999692-C-T. GRCh37 (hg19) VCF-style: chr21-47419606-C-T.
Identifiers: ClinVar variation 284835 (VCV000284835.48), dbSNP rs148439285, ClinGen allele CA10070540.
Genomic context (GRCh38, chr21:45,999,692, plus strand): 5'-CTCCTCTACTCCGTTTCTCGGACAGGGACCCCCAGGACACCAAGGACCGCCTGGGCCGGA[C>T]GTAAGTGGGGCTCTGTGAACATTGCTGGGGGCGACCACTGTAGCTTCCATCCCTTGGGGT-3'
Protein context (NP_001839.2, residues 582-602): PPGHQGPPGP[Asp592=]ECEILDIIMK